The following is an entry in ClinVar:

NM_001127392.3(MYRF):c.171C>T (p.Ala57=)

Gene: MYRF (myelin regulatory factor; plus strand). Cytogenetic location: 11q12.2.
Variant type: single nucleotide variant.
Coding change: c.171C>T on transcript NM_001127392.3 (MANE Select); coding-DNA position 171, C replaced by T.
Protein change: p.Ala57=; no amino-acid change (alanine 57 retained).
Molecular consequence: synonymous variant.
Genome position (GRCh38, 1-based): chr11:61,765,994, C>T. VCF-style: chr11-61765994-C-T. GRCh37 (hg19) VCF-style: chr11-61533466-C-T.
Other names: c.144C>T, p.Ala48= (NM_013279.4).
Identifiers: ClinVar variation 3047759 (VCV003047759.2), dbSNP rs746693238, ClinGen allele CA6037457.

ClinVar aggregate classification (germline): Likely benign (0 of 4 stars; one submission).

Conditions:
MYRF-related disorder. Also called: MYRF-related disorders; MYRF-related condition.

Allele frequency attached by ClinVar (database versions not stated): gnomAD 0.00001; gnomAD exomes 0.00001; TOPMed 0.00001; ExAC 0.00004.
gnomAD v4.1: 9 of 1,569,758 alleles (0.00057%); highest among the groups gnomAD compares: East Asian, 0.021%; no homozygotes.

Submission:

PreventionGenetics, part of Exact Sciences
Classification: Likely benign for MYRF-related condition. Last evaluated: 2022-10-25. Review status: no assertion criteria provided. Collection method: clinical testing. Allele origin: germline.
Comment: This variant is classified as likely benign based on ACMG/AMP sequence variant interpretation guidelines (Richards et al. 2015 PMID: 25741868, with internal and published modifications).